The following is an entry in ClinVar:

ClinVar aggregate classification (germline): Uncertain significance (1 of 4 stars; one submission).

Conditions:
Juvenile polyposis syndrome (JPS). Identifiers: Orphanet 2929, MedGen C0345893, MONDO:0017380, OMIM 174900.

Submission:

Labcorp Genetics (formerly Invitae), Labcorp
Classification: Uncertain significance for Juvenile polyposis syndrome. Last evaluated: 2022-04-29. Review status: criteria provided, single submitter. Criteria: Invitae Variant Classification Sherloc (09022015). Collection method: clinical testing. Allele origin: germline.
Comment: This sequence change replaces proline, which is neutral and non-polar, with leucine, which is neutral and non-polar, at codon 139 of the BMPR1A protein (p.Pro139Leu). In summary, the available evidence is currently insufficient to determine the role of this variant in disease. Therefore, it has been classified as a Variant of Uncertain Significance. Advanced modeling of protein sequence and biophysical properties (such as structural, functional, and spatial information, amino acid conservation, physicochemical variation, residue mobility, and thermodynamic stability) performed at Invitae indicates that this missense variant is not expected to disrupt BMPR1A protein function. This variant has not been reported in the literature in individuals affected with BMPR1A-related conditions. This variant is not present in population databases (gnomAD no frequency).

NM_004329.3(BMPR1A):c.416C>T (p.Pro139Leu)

Gene: BMPR1A (bone morphogenetic protein receptor type 1A; plus strand). Cytogenetic location: 10q23.2.
Variant type: single nucleotide variant.
Coding change: c.416C>T on transcript NM_004329.3 (MANE Select); coding-DNA position 416, C replaced by T.
Protein change: p.Pro139Leu; replaces proline 139 with leucine.
Molecular consequence: missense variant.
Genome position (GRCh38, 1-based): chr10:86,899,876, C>T. VCF-style: chr10-86899876-C-T. GRCh37 (hg19) VCF-style: chr10-88659633-C-T.
Other names: c.416C>T, p.Pro139Leu (NM_001406559.1, NM_001406560.1, NM_001406561.1 and 22 more transcripts); c.332C>T, p.Pro111Leu (NM_001406584.1, NM_001406585.1, NM_001406586.1 and 2 more transcripts); short protein forms P111L, P139L.
Identifiers: ClinVar variation 2095675 (VCV002095675.4), dbSNP rs1554888987, ClinGen allele CA377449824.